The following is an entry in ClinVar:

ClinVar aggregate classification (germline): Conflicting classifications of pathogenicity. Review status: criteria provided, conflicting classifications (1 of 4 stars). 8 submissions from 8 submitters: Uncertain significance (6); Benign (1); Likely benign (1). Last evaluated 2025-12-29.

Conditions:
TSC1-related disorder. Also called: TSC1-related condition.
Hereditary cancer-predisposing syndrome. Also called: Tumor predisposition; Hereditary neoplastic syndrome; Neoplastic Syndromes, Hereditary; Hereditary Cancer Syndrome. Identifiers: Orphanet 140162, MedGen C0027672, MeSH D009386, MONDO:0015356.
Tuberous sclerosis syndrome (TSC). Also called: Tuberous Sclerosis Complex; Tuberous sclerosis. Identifiers: Orphanet 805, MedGen C0041341, MONDO:0001734.
Isolated focal cortical dysplasia type II (FCORD2). Also called: CORTICAL DYSPLASIA OF TAYLOR; Focal cortical dysplasia type II. Identifiers: Orphanet 268994, MedGen C1846385, MONDO:0011818, OMIM 607341, HP:0032051.
Tuberous sclerosis 1 (TSC1). Identifiers: Orphanet 805, MedGen C1854465, MONDO:0008612, OMIM 191100.

Allele frequency attached by ClinVar (database versions not stated): TOPMed below 0.00001; gnomAD 0.00001.
gnomAD v4.1: 26 of 1,614,110 alleles (0.0016%); highest among the groups gnomAD compares: Non-Finnish European, 0.0021%; no homozygotes.

Submissions (8):

Labcorp Genetics (formerly Invitae), Labcorp
Classification: Benign for Tuberous sclerosis 1. Last evaluated: 2025-12-29. Review status: criteria provided, single submitter. Criteria: Invitae Variant Classification Sherloc (09022015). Collection method: clinical testing. Allele origin: germline.

Ambry Genetics
Classification: Likely benign for Hereditary cancer-predisposing syndrome. Last evaluated: 2025-10-01. Review status: criteria provided, single submitter. Criteria: Ambry Variant Classification Scheme 2023. Collection method: clinical testing. Allele origin: germline.

PreventionGenetics, part of Exact Sciences
Classification: Uncertain significance for TSC1-related condition. Last evaluated: 2025-07-31. Review status: criteria provided, single submitter. Criteria: ACMG Guidelines, 2015. Collection method: clinical testing. Allele origin: germline.
Comment: The TSC1 c.1800G>C variant is predicted to result in the amino acid substitution p.Gln600His. To our knowledge, this variant has not been reported in the literature or in a large population database (gnomAD), indicating this variant is rare. This variant has conflicting interpretations of pathogenicity in ClinVar of uncertain significance and benign (Variation ID: 466043). At this time, the clinical significance of this variant is uncertain due to the absence of conclusive functional and genetic evidence.

Baylor Genetics
Classification: Uncertain significance for Isolated focal cortical dysplasia type II. Last evaluated: 2023-10-15. Review status: criteria provided, single submitter. Criteria: ACMG Guidelines, 2015. Collection method: clinical testing. Allele origin: unknown.

GeneDx
Classification: Uncertain significance. Last evaluated: 2023-05-30. Review status: criteria provided, single submitter. Criteria: GeneDx Variant Classification Process June 2021. Collection method: clinical testing. Allele origin: germline. Affected: yes.
Comment: Not observed at significant frequency in large population cohorts (gnomAD); In silico analysis supports that this missense variant does not alter protein structure/function; Has not been previously published as pathogenic or benign to our knowledge

All of Us Research Program, National Institutes of Health
Classification: Uncertain significance for Tuberous sclerosis syndrome. Last evaluated: 2023-03-28. Review status: criteria provided, single submitter. Criteria: ACMG Guidelines, 2015. Collection method: clinical testing. Allele origin: germline. Inheritance: Autosomal dominant inheritance. Observed: 1 variant allele, 1 heterozygote.
Comment: This study involves interpretation of variants in research participants for the purpose of population health screening. Participant phenotype was not available at the time of variant classification. Additional details can be found in publication PMID: 35346344, PMCID: PMC8962531

Blueprint Genetics
Classification: Uncertain significance. Last evaluated: 2021-12-13. Review status: criteria provided, single submitter. Criteria: ACMG Guidelines, 2015. Collection method: clinical testing. Allele origin: germline.

Genome-Nilou Lab
Classification: Uncertain significance for Tuberous sclerosis 1. Last evaluated: 2021-11-07. Review status: criteria provided, single submitter. Criteria: ACMG Guidelines, 2015. Collection method: clinical testing. Allele origin: germline. Affected: no.

NM_000368.5(TSC1):c.1800G>C (p.Gln600His)

Gene: TSC1 (TSC complex subunit 1; minus strand). Cytogenetic location: 9q34.13.
Variant type: single nucleotide variant.
Coding change: c.1800G>C on transcript NM_000368.5 (MANE Select); coding-DNA position 1800, G replaced by C.
Protein change: p.Gln600His; replaces glutamine 600 with histidine.
Molecular consequence: missense variant.
Genome position (GRCh38, 1-based): chr9:132,905,778, C>G on the plus strand (G>C on the coding strand, the complement: TSC1 is on the minus strand). VCF-style: chr9-132905778-C-G. GRCh37 (hg19) VCF-style: chr9-135781165-C-G.
Other names: c.1797G>C, p.Gln599His (NM_001162426.2); c.1647G>C, p.Gln549His (NM_001162427.2); c.1437G>C, p.Gln479His (NM_001362177.2); short protein forms Q600H, Q599H, Q479H, Q549H.
Identifiers: ClinVar variation 466043 (VCV000466043.21), dbSNP rs1254353359, ClinGen allele CA375363430.